The following is an entry in ClinVar:

ClinVar aggregate classification (germline): Pathogenic (1 of 4 stars; one submission).

Submission:

Labcorp Genetics (formerly Invitae), Labcorp
Classification: Pathogenic. Last evaluated: 2025-10-01. Review status: criteria provided, single submitter. Criteria: Invitae Variant Classification Sherloc (09022015). Collection method: clinical testing. Allele origin: germline.
Comment: This sequence change creates a premature translational stop signal (p.Asp238Glufs*12) in the FH gene. It is expected to result in an absent or disrupted protein product. Loss-of-function variants in FH are known to be pathogenic (PMID: 11865300, 21398687). This variant is not present in population databases (gnomAD no frequency). This variant has not been reported in the literature in individuals affected with FH-related conditions. For these reasons, this variant has been classified as Pathogenic.

Literature cited by the submitters: PubMed 11865300; PubMed 21398687.

NM_000143.4(FH):c.713dup (p.Asp238fs)

Gene: FH (fumarate hydratase; minus strand). Cytogenetic location: 1q43.
Variant type: Duplication.
Coding change: c.713dup on transcript NM_000143.4 (MANE Select); coding-DNA position 713, one base duplicated (A; older notation c.713dupA).
Protein change: p.Asp238fs; shifts the reading frame from aspartic acid 238.
Molecular consequence: frameshift variant.
Genome position (GRCh38, 1-based): chr1:241,508,628, T duplicated on the plus strand (A on the coding strand, the reverse complement: FH is on the minus strand). VCF-style (leftmost placement, unchanged base first): chr1-241508627-A-AT. GRCh37 (hg19) VCF-style: chr1-241671927-A-AT.
Other names: short protein forms D238fs.
Identifiers: ClinVar variation 4728211 (VCV004728211.1).